The following is an entry in ClinVar:

ClinVar aggregate classification (germline): Uncertain significance. Review status: criteria provided, multiple submitters, no conflicts (2 of 4 stars). 2 submissions from 2 submitters: Uncertain significance (2). Last evaluated 2025-10-03.

Conditions:
Fanconi anemia complementation group P. Also called: SLX4-Related Fanconi Anemia. Identifiers: Orphanet 84, MedGen C3469542, MONDO:0013499, OMIM 613951.
Fanconi anemia (FA). Also called: Fanconi's anemia. Identifiers: Orphanet 84, MedGen C0015625, MeSH D005199, MONDO:0019391.

Allele frequency attached by ClinVar (database versions not stated): gnomAD exomes below 0.00001 and 0.00001; TOPMed below 0.00001; ExAC 0.00001.

Submissions (2):

Labcorp Genetics (formerly Invitae), Labcorp
Classification: Uncertain significance for Fanconi anemia. Last evaluated: 2025-10-03. Review status: criteria provided, single submitter. Criteria: Invitae Variant Classification Sherloc (09022015). Collection method: clinical testing. Allele origin: germline.
Comment: This sequence change replaces alanine, which is neutral and non-polar, with threonine, which is neutral and polar, at codon 267 of the SLX4 protein (p.Ala267Thr). This variant is present in population databases (rs755289589, gnomAD 0.002%). This variant has not been reported in the literature in individuals affected with SLX4-related conditions. ClinVar contains an entry for this variant (Variation ID: 1039816). An algorithm developed to predict the effect of missense changes on protein structure and function outputs the following: PolyPhen-2: "Benign". The threonine amino acid residue is found in multiple mammalian species, which suggests that this missense change does not adversely affect protein function. In summary, the available evidence is currently insufficient to determine the role of this variant in disease. Therefore, it has been classified as a Variant of Uncertain Significance.

Fulgent Genetics
Classification: Uncertain significance for Fanconi anemia complementation group P. Last evaluated: 2022-04-11. Review status: criteria provided, single submitter. Criteria: ACMG Guidelines, 2015. Collection method: clinical testing. Allele origin: unknown.

NM_032444.4(SLX4):c.799G>A (p.Ala267Thr)

Gene: SLX4 (SLX4 structure-specific endonuclease subunit; minus strand). Cytogenetic location: 16p13.3.
Variant type: single nucleotide variant.
Coding change: c.799G>A on transcript NM_032444.4 (MANE Select); coding-DNA position 799, G replaced by A.
Protein change: p.Ala267Thr; replaces alanine 267 with threonine.
Molecular consequence: missense variant.
Genome position (GRCh38, 1-based): chr16:3,602,269, C>T on the plus strand (G>A on the coding strand, the complement: SLX4 is on the minus strand). VCF-style: chr16-3602269-C-T. GRCh37 (hg19) VCF-style: chr16-3652270-C-T.
Other names: short protein forms A267T.
Identifiers: ClinVar variation 1039816 (VCV001039816.10), dbSNP rs755289589, ClinGen allele CA7866738.
Genomic context (GRCh38, chr16:3,602,269, plus strand): 5'-TATCATCATGTGCCGATGCTCCTACCCGTGCAAACTCCTGCTGCAGGGTCAAGGCCACCG[C>T]AGCGTCGCTCTCTGGGGCAGGGGGCCCAAGCCCATACACTGTGGAGAAGCACCAAAGATC-3'
Protein context (NP_115820.2, residues 257-277): LGPPAPESDA[Ala267Thr]VALTLQQEFA